The following is an entry in ClinVar:

ClinVar aggregate classification (germline): Uncertain significance (1 of 4 stars; one submission).

Allele frequency attached by ClinVar (database versions not stated): ExAC 0.00004; gnomAD 0.00010; TOPMed 0.00010.
gnomAD v4.1: 204 of 1,567,806 alleles (0.013%); highest among the groups gnomAD compares: Non-Finnish European, 0.016%; no homozygotes.

Submission:

Labcorp Genetics (formerly Invitae), Labcorp
Classification: Uncertain significance. Last evaluated: 2024-01-24. Review status: criteria provided, single submitter. Criteria: Invitae Variant Classification Sherloc (09022015). Collection method: clinical testing. Allele origin: germline.
Comment: This sequence change replaces phenylalanine, which is neutral and non-polar, with leucine, which is neutral and non-polar, at codon 615 of the DOCK6 protein (p.Phe615Leu). This variant is present in population databases (rs763348704, gnomAD 0.02%). This variant has not been reported in the literature in individuals affected with DOCK6-related conditions. ClinVar contains an entry for this variant (Variation ID: 2421578). Advanced modeling of protein sequence and biophysical properties (such as structural, functional, and spatial information, amino acid conservation, physicochemical variation, residue mobility, and thermodynamic stability) performed at Invitae indicates that this missense variant is expected to disrupt DOCK6 protein function with a positive predictive value of 80%. In summary, the available evidence is currently insufficient to determine the role of this variant in disease. Therefore, it has been classified as a Variant of Uncertain Significance.

NM_020812.4(DOCK6):c.1845C>G (p.Phe615Leu)

Gene: DOCK6 (dedicator of cytokinesis 6; minus strand). Cytogenetic location: 19p13.2.
Variant type: single nucleotide variant.
Coding change: c.1845C>G on transcript NM_020812.4 (MANE Select); coding-DNA position 1845, C replaced by G.
Protein change: p.Phe615Leu; replaces phenylalanine 615 with leucine.
Molecular consequence: missense variant.
Genome position (GRCh38, 1-based): chr19:11,237,767, G>C on the plus strand (C>G on the coding strand, the complement: DOCK6 is on the minus strand). VCF-style: chr19-11237767-G-C. GRCh37 (hg19) VCF-style: chr19-11348443-G-C.
Other names: c.1845C>G, p.Phe615Leu (NM_001367830.1); short protein forms F615L.
Identifiers: ClinVar variation 2421578 (VCV002421578.6), dbSNP rs763348704, ClinGen allele CA9207816.
Genomic context (GRCh38, chr19:11,237,767, plus strand): 5'-GAACAGCAGGTGATGGTTCTCTGTCACGCAGGCTGGAAGATGCAGCTTGAACTCCTCGTA[G>C]AACTCGGGGGACCTGGCAGAATCGGGCTGGGGGATCTGCTGGGGGCTGGGGTCCCCACTG-3'
Protein context (NP_065863.2, residues 605-625): PVVYHNKSPE[Phe615Leu]YEEFKLHLPA